The following is an entry in ClinVar:

NM_198578.4(LRRK2):c.1591A>C (p.Asn531His)

Gene: LRRK2 (leucine rich repeat kinase 2; plus strand). Cytogenetic location: 12q12.
Variant type: single nucleotide variant.
Coding change: c.1591A>C on transcript NM_198578.4 (MANE Select); coding-DNA position 1591, A replaced by C.
Protein change: p.Asn531His; replaces asparagine 531 with histidine.
Molecular consequence: missense variant.
Genome position (GRCh38, 1-based): chr12:40,263,836, A>C. VCF-style: chr12-40263836-A-C. GRCh37 (hg19) VCF-style: chr12-40657638-A-C.
Other names: short protein forms N531H.
Identifiers: ClinVar variation 1775923 (VCV001775923.2), dbSNP rs2499572189, ClinGen allele CA384398918.

ClinVar aggregate classification (germline): Uncertain significance (1 of 4 stars; one submission).

Conditions:
Inborn genetic diseases. Identifiers: MedGen C0950123, MeSH D030342.

Allele frequency attached by ClinVar (database versions not stated): gnomAD exomes below 0.00001.
gnomAD v4.1: 1 of 1,613,276 alleles (0.000062%); highest among the groups gnomAD compares: Non-Finnish European, 0.000085%; no homozygotes.

Submission:

Ambry Genetics
Classification: Uncertain significance for Inborn genetic diseases. Last evaluated: 2022-05-26. Review status: criteria provided, single submitter. Criteria: Ambry Variant Classification Scheme 2023. Collection method: clinical testing. Allele origin: germline.
Comment: The p.N531H variant (also known as c.1591A>C), located in coding exon 14 of the LRRK2 gene, results from an A to C substitution at nucleotide position 1591. The asparagine at codon 531 is replaced by histidine, an amino acid with similar properties. This amino acid position is conserved. In addition, this alteration is predicted to be tolerated by in silico analysis. Since supporting evidence is limited at this time, the clinical significance of this alteration remains unclear.